The following is an entry in ClinVar:

NM_006852.6(TLK2):c.1303A>C (p.Thr435Pro)

Gene: TLK2 (tousled like kinase 2; plus strand). Cytogenetic location: 17q23.2.
Variant type: single nucleotide variant.
Coding change: c.1303A>C on transcript NM_006852.6 (MANE Select); coding-DNA position 1303, A replaced by C.
Protein change: p.Thr435Pro; replaces threonine 435 with proline.
Molecular consequence: missense variant.
Genome position (GRCh38, 1-based): chr17:62,580,127, A>C. VCF-style: chr17-62580127-A-C. GRCh37 (hg19) VCF-style: chr17-60657488-A-C.
Other names: c.1369A>C, p.Thr457Pro (NM_001284333.3); c.1207A>C, p.Thr403Pro (NM_001284363.1, NM_001375272.1); c.856A>C, p.Thr286Pro (NM_001330418.3, NM_001375273.1); c.1345A>C, p.Thr449Pro (NM_001375269.1); c.1303A>C, p.Thr435Pro (NM_001375270.1, NM_001375271.1); c.1018A>C, p.Thr340Pro (NM_001411074.1); short protein forms T286P, T340P, T403P, T435P, T449P, T457P.
Identifiers: ClinVar variation 1878821 (VCV001878821.4), dbSNP rs2545795337, ClinGen allele CA400504160.
Genomic context (GRCh38, chr17:62,580,127, plus strand): 5'-GTAGTCCATGATCTCAGGGTGTTACATGTTCCCTGTTTCCACAGATTTAAAGATCATCCA[A>C]CGCTAAATGACAGATATTTGTTGTTACATCTTTTGGGTAGAGGAGGTTTCAGTGAAGTTT-3'
Protein context (NP_006843.2, residues 425-445): EDNSQFKDHP[Thr435Pro]LNDRYLLLHL

ClinVar aggregate classification (germline): Uncertain significance (1 of 4 stars; one submission).

Submission:

GeneDx
Classification: Uncertain significance. Last evaluated: 2023-01-31. Review status: criteria provided, single submitter. Criteria: GeneDx Variant Classification Process June 2021. Collection method: clinical testing. Allele origin: germline. Affected: yes.
Comment: Not observed at significant frequency in large population cohorts (gnomAD); In silico analysis supports that this missense variant has a deleterious effect on protein structure/function; Has not been previously published as pathogenic or benign to our knowledge